The following is an entry in ClinVar:

NM_000548.5(TSC2):c.4537G>T (p.Glu1513Ter)

Gene: TSC2 (TSC complex subunit 2; plus strand). Cytogenetic location: 16p13.3.
Variant type: single nucleotide variant.
Coding change: c.4537G>T on transcript NM_000548.5 (MANE Select); coding-DNA position 4537, G replaced by T.
Protein change: p.Glu1513Ter; replaces glutamic acid 1513 with a stop codon.
Molecular consequence: nonsense.
Genome position (GRCh38, 1-based): chr16:2,084,994, G>T. VCF-style: chr16-2084994-G-T. GRCh37 (hg19) VCF-style: chr16-2134995-G-T.
Other names: c.4336G>T, p.Glu1446Ter (NM_001077183.3); c.4468G>T, p.Glu1490Ter (NM_001114382.3); c.4228G>T, p.Glu1410Ter (NM_001318827.2); c.4192G>T, p.Glu1398Ter (NM_001318829.2); c.3805G>T, p.Glu1269Ter (NM_001318831.2); c.4369G>T, p.Glu1457Ter (NM_001318832.2); c.4339G>T, p.Glu1447Ter (NM_001363528.2); c.4405G>T, p.Glu1469Ter (NM_001370404.1); and 26 more; short protein forms E1021*, E1022*, E1042*, E1246*, E1247*, E1269*, E1289*, E1290*.
Identifiers: ClinVar variation 2428816 (VCV002428816.2), dbSNP rs767449740, ClinGen allele CA394302913.

ClinVar aggregate classification (germline): Pathogenic (1 of 4 stars; one submission).

Submission:

GeneDx
Classification: Pathogenic. Last evaluated: 2022-08-03. Review status: criteria provided, single submitter. Criteria: GeneDx Variant Classification Process June 2021. Collection method: clinical testing. Allele origin: germline. Affected: yes.
Comment: Nonsense variant predicted to result in protein truncation or nonsense mediated decay in a gene for which loss of function is a known mechanism of disease; Not observed at significant frequency in large population cohorts (gnomAD); This variant is associated with the following publications: (PMID: 32555378, 29476190)